The following is an entry in ClinVar:

NM_004329.3(BMPR1A):c.949C>A (p.Leu317Ile)

Gene: BMPR1A (bone morphogenetic protein receptor type 1A; plus strand). Cytogenetic location: 10q23.2.
Variant type: single nucleotide variant.
Coding change: c.949C>A on transcript NM_004329.3 (MANE Select); coding-DNA position 949, C replaced by A.
Protein change: p.Leu317Ile; replaces leucine 317 with isoleucine.
Molecular consequence: missense variant.
Genome position (GRCh38, 1-based): chr10:86,919,252, C>A. VCF-style: chr10-86919252-C-A. GRCh37 (hg19) VCF-style: chr10-88679009-C-A.
Other names: short protein forms L317I.
Identifiers: ClinVar variation 823283 (VCV000823283.14), dbSNP rs1589291581, ClinGen allele CA377460200.

ClinVar aggregate classification (germline): Uncertain significance. Review status: criteria provided, multiple submitters, no conflicts (2 of 4 stars). 2 submissions from 2 submitters: Uncertain significance (2). Last evaluated 2025-08-26.

Conditions:
Hereditary cancer-predisposing syndrome. Also called: Hereditary Cancer Syndrome; Neoplastic Syndromes, Hereditary; Hereditary neoplastic syndrome; Tumor predisposition. Identifiers: Orphanet 140162, MedGen C0027672, MeSH D009386, MONDO:0015356.
Juvenile polyposis syndrome (JPS). Identifiers: Orphanet 2929, MedGen C0345893, MONDO:0017380, OMIM 174900.

Submissions (2):

Ambry Genetics
Classification: Uncertain significance for Hereditary cancer-predisposing syndrome. Last evaluated: 2025-08-26. Review status: criteria provided, single submitter. Criteria: Ambry Variant Classification Scheme 2023. Collection method: clinical testing. Allele origin: germline.
Comment: The p.L317I variant (also known as c.949C>A), located in coding exon 8 of the BMPR1A gene, results from a C to A substitution at nucleotide position 949. The leucine at codon 317 is replaced by isoleucine, an amino acid with highly similar properties. This amino acid position is highly conserved in available vertebrate species. In addition, this alteration is predicted to be deleterious by in silico analysis. Based on the available evidence, the clinical significance of this variant remains unclear.

Labcorp Genetics (formerly Invitae), Labcorp
Classification: Uncertain significance for Juvenile polyposis syndrome. Last evaluated: 2025-02-26. Review status: criteria provided, single submitter. Criteria: Invitae Variant Classification Sherloc (09022015). Collection method: clinical testing. Allele origin: germline.
Comment: This sequence change replaces leucine, which is neutral and non-polar, with isoleucine, which is neutral and non-polar, at codon 317 of the BMPR1A protein (p.Leu317Ile). This variant is not present in population databases (gnomAD no frequency). This variant has not been reported in the literature in individuals affected with BMPR1A-related conditions. ClinVar contains an entry for this variant (Variation ID: 823283). Invitae Evidence Modeling of protein sequence and biophysical properties (such as structural, functional, and spatial information, amino acid conservation, physicochemical variation, residue mobility, and thermodynamic stability) has been performed for this missense variant. However, the output from this modeling did not meet the statistical confidence thresholds required to predict the impact of this variant on BMPR1A protein function. In summary, the available evidence is currently insufficient to determine the role of this variant in disease. Therefore, it has been classified as a Variant of Uncertain Significance.